The following is an entry in ClinVar:

NM_004082.5(DCTN1):c.2409G>T (p.Arg803Ser)

Gene: DCTN1 (dynactin subunit 1; minus strand). Cytogenetic location: 2p13.1.
Variant type: single nucleotide variant.
Coding change: c.2409G>T on transcript NM_004082.5 (MANE Select); coding-DNA position 2409, G replaced by T.
Protein change: p.Arg803Ser; replaces arginine 803 with serine.
Molecular consequence: missense variant. On other transcripts: non-coding transcript variant (1).
Genome position (GRCh38, 1-based): chr2:74,366,840, C>A on the plus strand (G>T on the coding strand, the complement: DCTN1 is on the minus strand). VCF-style: chr2-74366840-C-A. GRCh37 (hg19) VCF-style: chr2-74593967-C-A.
Other names: c.2349G>T, p.Arg783Ser (NM_001135040.3); c.2007G>T, p.Arg669Ser (NM_001135041.3, NM_023019.4); c.2298G>T, p.Arg766Ser (NM_001190836.2); c.2388G>T, p.Arg796Ser (NM_001190837.2); c.2358G>T, p.Arg786Ser (NM_001378991.1); c.2340G>T, p.Arg780Ser (NM_001378992.1); short protein forms R783S, R796S, R766S, R780S, R803S, R669S, R786S.
Identifiers: ClinVar variation 4793849 (VCV004793849.2).

ClinVar aggregate classification (germline): Uncertain significance. Review status: criteria provided, multiple submitters, no conflicts (2 of 4 stars). 2 submissions from 2 submitters: Uncertain significance (2). Last evaluated 2026-03-26.

Conditions:
Amyotrophic lateral sclerosis type 1 (ALS1). Also called: AMYOTROPHIC LATERAL SCLEROSIS 1, FAMILIAL. Identifiers: Orphanet 803, MedGen C1862939, MONDO:0007103, OMIM 105400.
Neuronopathy, distal hereditary motor, type 7B. Also called: HMN VIIB; LOWER MOTOR NEURON DISEASE, DYNACTIN TYPE; NEURONOPATHY, DISTAL HEREDITARY MOTOR, AUTOSOMAL DOMINANT 14; NEURONOPATHY, DISTAL HEREDITARY MOTOR, HARDING TYPE VIIB; NEUROPATHY, DISTAL HEREDITARY MOTOR, HARDING TYPE VIIB; NEUROPATHY, DISTAL HEREDITARY MOTOR, WITH VOCAL CORD PARALYSIS, HARDING TYPE VIIB. Identifiers: Orphanet 139589, MedGen C1843315, MONDO:0011879, OMIM 607641.
Perry syndrome. Also called: PARKINSONISM WITH ALVEOLAR HYPOVENTILATION AND MENTAL DEPRESSION. Identifiers: Orphanet 178509, MedGen C1868594, MONDO:0008201, OMIM 168605.

Submissions (2):

GeneDx
Classification: Uncertain significance. Last evaluated: 2026-03-26. Review status: criteria provided, single submitter. Criteria: GeneDx Variant Classification Process June 2021. Collection method: clinical testing. Allele origin: germline.
Comment: Not observed at significant frequency in large population cohorts (gnomAD); In silico analysis supports that this missense variant has a deleterious effect on protein structure/function; Has not been previously published as pathogenic or benign to our knowledge

Labcorp Genetics (formerly Invitae), Labcorp
Classification: Uncertain significance for Amyotrophic lateral sclerosis type 1; Neuronopathy, distal hereditary motor, type 7B; Perry syndrome. Last evaluated: 2025-12-13. Review status: criteria provided, single submitter. Criteria: Invitae Variant Classification Sherloc (09022015). Collection method: clinical testing. Allele origin: germline.
Comment: This sequence change replaces arginine, which is basic and polar, with serine, which is neutral and polar, at codon 803 of the DCTN1 protein (p.Arg803Ser). This variant is not present in population databases (gnomAD no frequency). This variant has not been reported in the literature in individuals affected with DCTN1-related conditions. Invitae Evidence Modeling of protein sequence and biophysical properties (such as structural, functional, and spatial information, amino acid conservation, physicochemical variation, residue mobility, and thermodynamic stability) has been performed for this missense variant. However, the output from this modeling did not meet the statistical confidence thresholds required to predict the impact of this variant on DCTN1 protein function. In summary, the available evidence is currently insufficient to determine the role of this variant in disease. Therefore, it has been classified as a Variant of Uncertain Significance.